The following is an entry in ClinVar:

NM_000264.5(PTCH1):c.2762_2765dup (p.Thr924fs)

Gene: PTCH1 (patched 1; minus strand). Cytogenetic location: 9q22.32.
Variant type: Duplication.
Coding change: c.2762_2765dup on transcript NM_000264.5 (MANE Select); coding-DNA positions 2762 to 2765, 4 bases duplicated (TCTA; older notation c.2762_2765dupTCTA).
Protein change: p.Thr924fs; shifts the reading frame from threonine 924.
Molecular consequence: frameshift variant. On other transcripts: non-coding transcript variant (1).
Genome position (GRCh38, 1-based): chr9:95,459,722-95,459,725, TAGA duplicated on the plus strand (TCTA on the coding strand, the reverse complement: PTCH1 is on the minus strand); duplicating any 4 consecutive bases within chr9:95,459,722-95,459,726 gives the same sequence; the c. name uses the placement nearest the transcript's 3' end. VCF-style (leftmost placement, unchanged base first): chr9-95459721-G-GTAGA. GRCh37 (hg19) VCF-style: chr9-98222003-G-GTAGA.
Other names: c.2564_2567dup, p.Thr858fs (NM_001083602.3); c.2759_2762dup, p.Thr923fs (NM_001083603.3); c.2309_2312dup, p.Thr773fs (NM_001083604.3, NM_001083605.3, NM_001083606.3 and 1 more transcripts); c.2606_2609dup, p.Thr872fs (NM_001354918.2); c.2762_2765dupTCTA (NM_000264.3); short protein forms T773fs, T872fs, T924fs, T858fs, T923fs.
Identifiers: ClinVar variation 428822 (VCV000428822.3), dbSNP rs1131690972, ClinGen allele CA645369450.

ClinVar aggregate classification (germline): Pathogenic (1 of 4 stars; one submission).

Conditions:
Hereditary cancer-predisposing syndrome. Also called: Hereditary Cancer Syndrome; Neoplastic Syndromes, Hereditary; Hereditary neoplastic syndrome; Tumor predisposition. Identifiers: Orphanet 140162, MedGen C0027672, MeSH D009386, MONDO:0015356.

Submission:

Ambry Genetics
Classification: Pathogenic for Hereditary cancer-predisposing syndrome. Last evaluated: 2014-04-02. Review status: criteria provided, single submitter. Criteria: Ambry Autosomal Dominant and X-Linked criteria (10/2015). Collection method: clinical testing. Allele origin: germline. Observed: 1 variant allele.
Comment: Ã¢â‚¬â€¹The c.2762_2765dupTCTA pathogenic mutation, located in coding exon 17 of the PTCH1 gene, results from a duplication of TCTA at position 2762, causing a translational frameshift with a predicted alternate stop codon. Since frameshifts are typically deleterious in nature, this alteration is interpreted as a disease-causing mutation (ACMG Recommendations for Standards for Interpretation and Reporting of Sequence Variations. Revision 2007. Genet Med. 2008;10:294).